The following is an entry in ClinVar:

NM_000179.3(MSH6):c.1436A>T (p.Lys479Ile)

Gene: MSH6 (mutS homolog 6; plus strand). Cytogenetic location: 2p16.3.
Variant type: single nucleotide variant.
Coding change: c.1436A>T on transcript NM_000179.3 (MANE Select); coding-DNA position 1436, A replaced by T.
Protein change: p.Lys479Ile; replaces lysine 479 with isoleucine.
Molecular consequence: missense variant. On other transcripts: non-coding transcript variant (4), intron variant (1).
Genome position (GRCh38, 1-based): chr2:47,799,419, A>T. VCF-style: chr2-47799419-A-T. GRCh37 (hg19) VCF-style: chr2-48026558-A-T.
Other names: c.911A>T, p.Lys304Ile (NM_001406807.1, NM_001406799.1, NM_001406806.1); c.1436A>T, p.Lys479Ile (NM_001406808.1, NM_001406809.1, NM_001406817.1 and 4 more transcripts); c.530A>T, p.Lys177Ile (NM_001406811.1, NM_001406812.1, NM_001406814.1 and 6 more transcripts); c.1442A>T, p.Lys481Ile (NM_001406813.1); c.1046A>T, p.Lys349Ile (NM_001281492.2); c.1532A>T, p.Lys511Ile (NM_001406795.1, NM_001406802.1); c.1139A>T, p.Lys380Ile (NM_001406797.1, NM_001406801.1, NM_001406805.1 and 10 more transcripts); c.1358A>T, p.Lys453Ile (NM_001406804.1); and 2 more; short protein forms K349I, K481I, K177I, K304I, K453I, K511I, K380I, K423I.
Identifiers: ClinVar variation 3020735 (VCV003020735.3), dbSNP rs1201556163, ClinGen allele CA346745571.

ClinVar aggregate classification (germline): Uncertain significance (1 of 4 stars; one submission).

Conditions:
Hereditary nonpolyposis colorectal neoplasms. Identifiers: MedGen C0009405, MeSH D003123.

Submission:

Labcorp Genetics (formerly Invitae), Labcorp
Classification: Uncertain significance for Hereditary nonpolyposis colorectal neoplasms. Last evaluated: 2023-03-10. Review status: criteria provided, single submitter. Criteria: Invitae Variant Classification Sherloc (09022015). Collection method: clinical testing. Allele origin: germline.
Comment: This variant is not present in population databases (gnomAD no frequency). This sequence change replaces lysine, which is basic and polar, with isoleucine, which is neutral and non-polar, at codon 479 of the MSH6 protein (p.Lys479Ile). This variant has not been reported in the literature in individuals affected with MSH6-related conditions. In summary, the available evidence is currently insufficient to determine the role of this variant in disease. Therefore, it has been classified as a Variant of Uncertain Significance. Advanced modeling of protein sequence and biophysical properties (such as structural, functional, and spatial information, amino acid conservation, physicochemical variation, residue mobility, and thermodynamic stability) performed at Invitae indicates that this missense variant is expected to disrupt MSH6 protein function.